The following is an entry in ClinVar:

NM_015175.3(NBEAL2):c.6239T>A (p.Met2080Lys)

Gene: NBEAL2 (neurobeachin like 2; plus strand). Cytogenetic location: 3p21.31.
Variant type: single nucleotide variant.
Coding change: c.6239T>A on transcript NM_015175.3 (MANE Select); coding-DNA position 6239, T replaced by A.
Protein change: p.Met2080Lys; replaces methionine 2080 with lysine.
Molecular consequence: missense variant.
Genome position (GRCh38, 1-based): chr3:47,004,535, T>A. VCF-style: chr3-47004535-T-A. GRCh37 (hg19) VCF-style: chr3-47046025-T-A.
Other names: c.6137T>A, p.Met2046Lys (NM_001365116.2); short protein forms M2046K, M2080K.
Identifiers: ClinVar variation 1684443 (VCV001684443.1), dbSNP rs1339171276, ClinGen allele CA352530270.
Genomic context (GRCh38, chr3:47,004,535, plus strand): 5'-TTGTCTGCCCCTGTCCCCAGAAATGGGTACAGCGTGAGATATCCAACTTCGAGTACTTGA[T>A]GCAACTCAACACCATTGCGGGGCGGACCTACAATGACCTGTCTCAGTACCCTGTGGTGAG-3'
Protein context (NP_055990.1, residues 2070-2090): QREISNFEYL[Met2080Lys]QLNTIAGRTY

ClinVar aggregate classification (germline): Likely pathogenic (0 of 4 stars; one submission).

Conditions:
Gray platelet syndrome (GPS). Also called: BLEEDING DISORDER, PLATELET-TYPE, 4. Identifiers: Orphanet 721, MedGen C0272302, MONDO:0007686, OMIM 139090.

Submission:

ISTH-SSC Genomics in Thrombosis and Hemostasis, KU Leuven, Center for Molecular and Vascular Biology
Classification: Likely pathogenic for Gray platelet syndrome. Review status: no assertion criteria provided. Collection method: research. Allele origin: unknown. Affected: yes.
Comment: Submitted to GoldVariant by Dr Marie-Christine Morel-Kopp from Northern Blood Research Centre, Sydney, Australia